The following is an entry in ClinVar:

ClinVar aggregate classification (germline): Uncertain significance. Review status: criteria provided, multiple submitters, no conflicts (2 of 4 stars). 2 submissions from 2 submitters: Uncertain significance (2). Last evaluated 2025-09-01.

Allele frequency attached by ClinVar (database versions not stated): gnomAD 0.00001; gnomAD exomes 0.00002 and 0.00006; TOPMed 0.00002; ExAC 0.00005.
gnomAD v4.1: 78 of 1,546,842 alleles (0.005%); highest among the groups gnomAD compares: Non-Finnish European, 0.0066%; no homozygotes.

Submissions (2):

Ambry Genetics
Classification: Uncertain significance. Last evaluated: 2025-09-01. Review status: criteria provided, single submitter. Criteria: Ambry Variant Classification Scheme 2023. Collection method: clinical testing. Allele origin: germline.

Labcorp Genetics (formerly Invitae), Labcorp
Classification: Uncertain significance. Last evaluated: 2024-03-03. Review status: criteria provided, single submitter. Criteria: Invitae Variant Classification Sherloc (09022015). Collection method: clinical testing. Allele origin: germline.
Comment: This sequence change replaces leucine, which is neutral and non-polar, with proline, which is neutral and non-polar, at codon 8 of the DTHD1 protein (p.Leu8Pro). This variant is present in population databases (rs758173315, gnomAD 0.005%). This variant has not been reported in the literature in individuals affected with DTHD1-related conditions. ClinVar contains an entry for this variant (Variation ID: 1509302). An algorithm developed to predict the effect of missense changes on protein structure and function (PolyPhen-2) suggests that this variant is likely to be disruptive. In summary, the available evidence is currently insufficient to determine the role of this variant in disease. Therefore, it has been classified as a Variant of Uncertain Significance.

NM_001170700.3(DTHD1):c.893T>C (p.Leu298Pro)

Gene: DTHD1 (death domain containing 1; plus strand). Cytogenetic location: 4p14.
Variant type: single nucleotide variant.
Coding change: c.893T>C on transcript NM_001170700.3 (MANE Select); coding-DNA position 893, T replaced by C.
Protein change: p.Leu298Pro; replaces leucine 298 with proline.
Molecular consequence: missense variant. On other transcripts: non-coding transcript variant (2).
Genome position (GRCh38, 1-based): chr4:36,290,378, T>C. VCF-style: chr4-36290378-T-C. GRCh37 (hg19) VCF-style: chr4-36292000-T-C.
Other names: c.23T>C, p.Leu8Pro (NM_001136536.5, NM_001378435.1); c.518T>C (NM_001170700.1); short protein forms L298P, L8P.
Identifiers: ClinVar variation 1509302 (VCV001509302.7), dbSNP rs758173315, ClinGen allele CA2885591.
Genomic context (GRCh38, chr4:36,290,378, plus strand): 5'-TGTAAAGTACATAAATCAAATAATTGGAAAAATGACATTCTTTTTCCCCCTCCAGGTATC[T>C]TGATGTGCTGAGTGATGTTACTGGCCCCCAAGTGTCTTGTTATATTACAGCACCATCATA-3'
Protein context (NP_001164171.2, residues 288-308): HKNNIMEKEY[Leu298Pro]DVLSDVTGPQ